The following is an entry in ClinVar:

ClinVar aggregate classification (germline): Uncertain significance (1 of 4 stars; one submission).

gnomAD v4.1: 1 of 1,544,560 alleles (0.000065%); highest among the groups gnomAD compares: South Asian, 0.0012%; no homozygotes.

Submission:

Labcorp Genetics (formerly Invitae), Labcorp
Classification: Uncertain significance. Last evaluated: 2025-11-17. Review status: criteria provided, single submitter. Criteria: Invitae Variant Classification Sherloc (09022015). Collection method: clinical testing. Allele origin: germline.
Comment: This sequence change replaces lysine, which is basic and polar, with asparagine, which is neutral and polar, at codon 2079 of the DSCAML1 protein (p.Lys2079Asn). This variant is present in population databases (rs756792352, gnomAD 0.005%). This variant has not been reported in the literature in individuals affected with DSCAML1-related conditions. An algorithm developed to predict the effect of missense changes on protein structure and function (PolyPhen-2) suggests that this variant is likely to be tolerated. In summary, the available evidence is currently insufficient to determine the role of this variant in disease. Therefore, it has been classified as a Variant of Uncertain Significance.

NM_020693.4(DSCAML1):c.6057A>C (p.Lys2019Asn)

Gene: DSCAML1 (DS cell adhesion molecule like 1; minus strand). Cytogenetic location: 11q23.3.
Variant type: single nucleotide variant.
Coding change: c.6057A>C on transcript NM_020693.4 (MANE Select); coding-DNA position 6057, A replaced by C.
Protein change: p.Lys2019Asn; replaces lysine 2019 with asparagine.
Molecular consequence: missense variant.
Genome position (GRCh38, 1-based): chr11:117,428,433, T>G on the plus strand (A>C on the coding strand, the complement: DSCAML1 is on the minus strand). VCF-style: chr11-117428433-T-G. GRCh37 (hg19) VCF-style: chr11-117299149-T-G.
Other names: short protein forms K2019N.
Identifiers: ClinVar variation 4768441 (VCV004768441.1).
Genomic context (GRCh38, chr11:117,428,433, plus strand): 5'-CTGAGACCTCCCTACCCCCGATGTGCTCATCTCGAGAAGCGAGTCCCTGGAGCCCCCCAT[T>G]TTGGTGTGTGGGCCCCCGGCTCGTGGAGGCTCGGTGCTGGGGGCCGGAGGGGCAGCGCTG-3'
Protein context (NP_065744.3, residues 2009-2029): EPPRAGGPHT[Lys2019Asn]MGGSRDSLLE